The following is an entry in ClinVar:

NM_021072.4(HCN1):c.1159G>A (p.Ala387Thr)

Gene: HCN1 (hyperpolarization activated cyclic nucleotide gated potassium channel 1; minus strand). Cytogenetic location: 5p12.
Variant type: single nucleotide variant.
Coding change: c.1159G>A on transcript NM_021072.4 (MANE Select); coding-DNA position 1159, G replaced by A.
Protein change: p.Ala387Thr; replaces alanine 387 with threonine.
Molecular consequence: missense variant.
Genome position (GRCh38, 1-based): chr5:45,396,563, C>T on the plus strand (G>A on the coding strand, the complement: HCN1 is on the minus strand). VCF-style: chr5-45396563-C-T. GRCh37 (hg19) VCF-style: chr5-45396665-C-T.
Other names: short protein forms A387T.
Identifiers: ClinVar variation 2027999 (VCV002027999.4), dbSNP rs2112040690, ClinGen allele CA359705293.
Genomic context (GRCh38, chr5:45,396,563, plus strand): 5'-ACTGCCGCCTCGAAGAATCCAGAGACTGGATTAAAGCGGTGGCATGGCCGACAAACATGG[C>T]ATAGCAGGTGGCCCCGACGATCATGCTCAGCATGGTAATCCAGAGGTCAGACATGCTGAC-3'
Protein context (NP_066550.2, residues 377-397): LSMIVGATCY[Ala387Thr]MFVGHATALI

ClinVar aggregate classification (germline): Likely pathogenic (1 of 4 stars; one submission).

Conditions:
Early-infantile DEE. Also called: Ohtahara syndrome; Early infantile epileptic encephalopathy with suppression bursts; Early infantile epileptic encephalopathy. Identifiers: Orphanet 1934, MedGen C0393706, MONDO:0800491.

Submission:

Labcorp Genetics (formerly Invitae), Labcorp
Classification: Likely pathogenic for Early-infantile DEE. Last evaluated: 2022-08-30. Review status: criteria provided, single submitter. Criteria: Invitae Variant Classification Sherloc (09022015). Collection method: clinical testing. Allele origin: germline.
Comment: In summary, the currently available evidence indicates that the variant is pathogenic, but additional data are needed to prove that conclusively. Therefore, this variant has been classified as Likely Pathogenic. This variant disrupts the p.Ala387 amino acid residue in HCN1. Other variant(s) that disrupt this residue have been determined to be pathogenic (PMID: 27541642). This suggests that this residue is clinically significant, and that variants that disrupt this residue are likely to be disease-causing. Advanced modeling of protein sequence and biophysical properties (such as structural, functional, and spatial information, amino acid conservation, physicochemical variation, residue mobility, and thermodynamic stability) performed at Invitae indicates that this missense variant is expected to disrupt HCN1 protein function. This variant has not been reported in the literature in individuals affected with HCN1-related conditions. This variant is not present in population databases (gnomAD no frequency). This sequence change replaces alanine, which is neutral and non-polar, with threonine, which is neutral and polar, at codon 387 of the HCN1 protein (p.Ala387Thr).

Literature cited by the submitters: PubMed 27541642.